The following is an entry in ClinVar:

NM_032930.3(CFAP300):c.304C>T (p.Pro102Ser)

Gene: CFAP300 (cilia and flagella associated protein 300; plus strand). Cytogenetic location: 11q22.1.
Variant type: single nucleotide variant.
Coding change: c.304C>T on transcript NM_032930.3 (MANE Select); coding-DNA position 304, C replaced by T.
Protein change: p.Pro102Ser; replaces proline 102 with serine.
Molecular consequence: missense variant. On other transcripts: intron variant (1).
Genome position (GRCh38, 1-based): chr11:102,066,520, C>T. VCF-style: chr11-102066520-C-T. GRCh37 (hg19) VCF-style: chr11-101937251-C-T.
Other names: c.304C>T, p.Pro102Ser (NM_001363505.2); c.268+7565C>T (NM_001195005.2); short protein forms P102S.
Identifiers: ClinVar variation 1681456 (VCV001681456.6), dbSNP rs2135034140, ClinGen allele CA382489158.

ClinVar aggregate classification (germline): Uncertain significance (1 of 4 stars; one submission).

Submission:

Labcorp Genetics (formerly Invitae), Labcorp
Classification: Uncertain significance. Last evaluated: 2022-11-08. Review status: criteria provided, single submitter. Criteria: Invitae Variant Classification Sherloc (09022015). Collection method: clinical testing. Allele origin: germline.
Comment: This sequence change replaces proline, which is neutral and non-polar, with serine, which is neutral and polar, at codon 102 of the C11orf70 protein (p.Pro102Ser). This variant is not present in population databases (gnomAD no frequency). In summary, the available evidence is currently insufficient to determine the role of this variant in disease. Therefore, it has been classified as a Variant of Uncertain Significance. Advanced modeling of protein sequence and biophysical properties (such as structural, functional, and spatial information, amino acid conservation, physicochemical variation, residue mobility, and thermodynamic stability) performed at Invitae indicates that this missense variant is not expected to disrupt C11orf70 protein function. ClinVar contains an entry for this variant (Variation ID: 1681456). This variant has not been reported in the literature in individuals affected with C11orf70-related conditions.